The following is an entry in ClinVar:

NM_000719.7(CACNA1C):c.4641C>T (p.Asn1547=)

Genes: CACNA1C-AS2 (CACNA1C antisense RNA 2; minus strand), CACNA1C (calcium voltage-gated channel subunit alpha1 C; plus strand). Cytogenetic location: 12p13.33.
Variant type: single nucleotide variant.
Coding change: c.4641C>T on transcript NM_000719.7 (MANE Select); coding-DNA position 4641, C replaced by T.
Protein change: p.Asn1547=; no amino-acid change (asparagine 1547 retained).
Molecular consequence: synonymous variant. On other transcripts: non-coding transcript variant (1).
Genome position (GRCh38, 1-based): chr12:2,668,950, C>T. VCF-style: chr12-2668950-C-T. GRCh37 (hg19) VCF-style: chr12-2778116-C-T.
Other names: c.4785C>T, p.Asn1595= (NM_001129827.2, NM_199460.4); c.4707C>T, p.Asn1569= (NM_001129829.2); c.4641C>T, p.Asn1547= (NM_001129830.3, NM_001129833.2, NM_001129834.2 and 7 more transcripts); c.4725C>T, p.Asn1575= (NM_001129831.2); c.4701C>T, p.Asn1567= (NM_001129832.2); c.4692C>T, p.Asn1564= (NM_001129836.2); c.4608C>T, p.Asn1536= (NM_001129837.2, NM_001129838.2, NM_001129846.2 and 1 more transcripts); c.4602C>T, p.Asn1534= (NM_001129839.2); and 2 more.
Identifiers: ClinVar variation 93408 (VCV000093408.21), dbSNP rs202194703, ClinGen allele CA221336.

ClinVar aggregate classification (germline): Conflicting classifications of pathogenicity. Review status: criteria provided, conflicting classifications (1 of 4 stars). 6 submissions from 6 submitters: Uncertain significance (1); Likely benign (5). Last evaluated 2026-03-24.

Conditions:
Cardiovascular phenotype. Identifiers: MedGen CN230736.
CACNA1C-related disorder. Also called: CACNA1C-related condition; CACNA1C-related disorders. Identifiers: MedGen CN381092, MONDO:0700321.
Long QT syndrome (LQTS). Identifiers: MedGen C0023976, MeSH D008133, MONDO:0002442. Disease mechanism: loss of function. Inheritance: Various modes of inheritance.

Allele frequency attached by ClinVar (database versions not stated): 1000 Genomes Project 30x 0.00062; gnomAD exomes 0.00002 and 0.00006; ESP Exome Variant Server 0.00008; TOPMed 0.00026; gnomAD 0.00031; 1000 Genomes Project 0.00040; ExAC 0.00006.
gnomAD v4.1: 80 of 1,613,972 alleles (0.005%); highest among the groups gnomAD compares: African/African-American, 0.069%; 1 homozygote.

Submissions (6):

PreventionGenetics, part of Exact Sciences
Classification: Likely benign for CACNA1C-related condition. Last evaluated: 2026-03-24. Review status: criteria provided, single submitter. Criteria: ACMG Guidelines, 2015. Collection method: clinical testing. Allele origin: germline.
Comment: This variant is classified as likely benign based on ACMG/AMP sequence variant interpretation guidelines (Richards et al. 2015 PMID: 25741868, with internal and published modifications).

Labcorp Genetics (formerly Invitae), Labcorp
Classification: Likely benign for Long QT syndrome. Last evaluated: 2025-12-10. Review status: criteria provided, single submitter. Criteria: Invitae Variant Classification Sherloc (09022015). Collection method: clinical testing. Allele origin: germline.

Molecular Diagnostic Laboratory for Inherited Cardiovascular Disease, Montreal Heart Institute
Classification: Likely benign. Last evaluated: 2025-04-09. Review status: criteria provided, single submitter. Criteria: ACMG Guidelines, 2015. Collection method: clinical testing. Allele origin: germline. Affected: no.

Blueprint Genetics
Classification: Likely benign. Last evaluated: 2024-02-21. Review status: criteria provided, single submitter. Criteria: ACMG Guidelines, 2015. Collection method: clinical testing. Allele origin: germline.

Ambry Genetics
Classification: Likely benign for Cardiovascular phenotype. Last evaluated: 2019-12-20. Review status: criteria provided, single submitter. Criteria: Ambry Variant Classification Scheme 2023. Collection method: clinical testing. Allele origin: germline.

Eurofins Ntd Llc (ga)
Classification: Uncertain significance. Last evaluated: 2013-08-02. Review status: criteria provided, single submitter. Criteria: EGL Classification Definitions 2015. Collection method: clinical testing. Allele origin: germline. Observed: 1 variant allele, 1 heterozygote.